The following is an entry in ClinVar:

NM_001035.3(RYR2):c.1454G>A (p.Arg485Gln)

Gene: RYR2 (ryanodine receptor 2; plus strand). Cytogenetic location: 1q43.
Variant type: single nucleotide variant.
Coding change: c.1454G>A on transcript NM_001035.3 (MANE Select); coding-DNA position 1454, G replaced by A.
Protein change: p.Arg485Gln; replaces arginine 485 with glutamine.
Molecular consequence: missense variant.
Genome position (GRCh38, 1-based): chr1:237,454,552, G>A. VCF-style: chr1-237454552-G-A. GRCh37 (hg19) VCF-style: chr1-237617852-G-A.
Other names: p.R485Q:CGG>CAG; c.1454G>A, p.Arg485Gln (LRG_402t1); short protein forms R485Q.
Identifiers: ClinVar variation 201374 (VCV000201374.28), dbSNP rs752144775, ClinGen allele CA008294.

ClinVar aggregate classification (germline): Conflicting classifications of pathogenicity. Review status: criteria provided, conflicting classifications (1 of 4 stars). 10 submissions from 10 submitters: Uncertain significance (8); Likely benign (2). Last evaluated 2026-07-08.

Conditions:
Cardiovascular phenotype. Identifiers: MedGen CN230736.
Catecholaminergic polymorphic ventricular tachycardia (CVPT). Also called: Catecholamine-induced polymorphic ventricular tachycardia. Identifiers: Orphanet 3286, MedGen C5574922, MONDO:0017990.
Cardiomyopathy (CMYO). Also called: Cardiomyopathies. Identifiers: Orphanet 167848, MedGen C0878544, MONDO:0004994, HP:0001638. Inheritance: Various modes of inheritance.
Catecholaminergic polymorphic ventricular tachycardia 1. Also called: RYR2-Related Catecholaminergic Polymorphic Ventricular Tachycardia; VENTRICULAR TACHYCARDIA, CATECHOLAMINERGIC POLYMORPHIC, 1, WITH OR WITHOUT ATRIAL DYSFUNCTION AND/OR DILATED CARDIOMYOPATHY; VENTRICULAR TACHYCARDIA, STRESS-INDUCED POLYMORPHIC 1. Identifiers: Orphanet 3286, MedGen C1631597, MONDO:0011484, OMIM 604772.

Allele frequency attached by ClinVar (database versions not stated): gnomAD 0.00008 and 0.00007; gnomAD exomes 0.00009 and 0.00008; ExAC 0.00009; TOPMed 0.00012.
gnomAD v4.1: 141 of 1,612,960 alleles (0.0087%); highest among the groups gnomAD compares: Admixed American, 0.012%; no homozygotes.

Submissions (10):

Ambry Genetics
Classification: Uncertain significance for Cardiovascular phenotype. Last evaluated: 2026-07-08. Review status: criteria provided, single submitter. Criteria: Ambry Variant Classification Scheme 2023. Collection method: clinical testing. Allele origin: germline.
Comment: The c.1454G>A (p.R485Q) alteration is located in exon 15 (coding exon 15) of the RYR2 gene. This alteration results from a G to A substitution at nucleotide position 1454, causing the arginine (R) at amino acid position 485 to be replaced by a glutamine (Q). Based on data from gnomAD, the A allele has an overall frequency of 0.008% (21/279618) total alleles studied. The highest observed frequency was 0.014% (5/35166) of Latino alleles. Based on insufficient or conflicting evidence, the clinical significance of this alteration remains unclear.

Molecular Diagnostic Laboratory for Inherited Cardiovascular Disease, Montreal Heart Institute
Classification: Uncertain significance for Cardiovascular phenotype. Last evaluated: 2026-03-27. Review status: criteria provided, single submitter. Criteria: ACMG Guidelines, 2015. Collection method: clinical testing. Allele origin: germline. Affected: yes.
Comment: PP2

Labcorp Genetics (formerly Invitae), Labcorp
Classification: Uncertain significance for Catecholaminergic polymorphic ventricular tachycardia 1. Last evaluated: 2026-01-21. Review status: criteria provided, single submitter. Criteria: Invitae Variant Classification Sherloc (09022015). Collection method: clinical testing. Allele origin: germline.
Comment: This sequence change replaces arginine, which is basic and polar, with glutamine, which is neutral and polar, at codon 485 of the RYR2 protein (p.Arg485Gln). The frequency data for this variant in the population databases is considered unreliable, as metrics indicate poor data quality at this position in the gnomAD database. This missense change has been observed in individual(s) with RYR2-related conditions (PMID: 30403697, 34088380). ClinVar contains an entry for this variant (Variation ID: 201374). Invitae Evidence Modeling of protein sequence and biophysical properties (such as structural, functional, and spatial information, amino acid conservation, physicochemical variation, residue mobility, and thermodynamic stability) indicates that this missense variant is expected to disrupt RYR2 protein function with a positive predictive value of 95%. In summary, the available evidence is currently insufficient to determine the role of this variant in disease. Therefore, it has been classified as a Variant of Uncertain Significance.

Color Diagnostics, LLC DBA Color Health
Classification: Likely benign for Cardiomyopathy. Last evaluated: 2025-03-10. Review status: criteria provided, single submitter. Criteria: ACMG Guidelines, 2015. Collection method: clinical testing. Allele origin: germline.

All of Us Research Program, National Institutes of Health
Classification: Uncertain significance for Catecholaminergic polymorphic ventricular tachycardia. Last evaluated: 2024-09-23. Review status: criteria provided, single submitter. Criteria: ACMG Guidelines, 2015. Collection method: clinical testing. Allele origin: germline. Inheritance: Autosomal dominant inheritance. Observed: 31 variant alleles, 31 heterozygotes.
Comment: This missense variant replaces arginine with glutamine at codon 485 of the RYR2 protein. Computational prediction suggests that this variant may have deleterious impact on protein structure and function (internally defined REVEL score threshold >= 0.7, PMID: 27666373). To our knowledge, functional studies have not been reported for this variant. This variant has not been reported in individuals affected with cardiovascular disorders in the literature. This variant has not been identified in the general population by the Genome Aggregation Database (gnomAD). The available evidence is insufficient to determine the role of this variant in disease conclusively. Therefore, this variant is classified as a Variant of Uncertain Significance.

This study involves interpretation of variants in research participants for the purpose of population health screening. Participant phenotype was not available at the time of variant classification. Additional details can be found in publication PMID: 35346344, PMCID: PMC8962531

Blueprint Genetics
Classification: Likely benign. Last evaluated: 2023-04-19. Review status: criteria provided, single submitter. Criteria: ACMG Guidelines, 2015. Collection method: clinical testing. Allele origin: germline.

AiLife Diagnostics
Classification: Uncertain significance. Last evaluated: 2020-06-23. Review status: criteria provided, single submitter. Criteria: ACMG Guidelines, 2015. Collection method: clinical testing. Allele origin: germline. Affected: yes. Observed: 1 variant allele.

Center for Advanced Laboratory Medicine, UC San Diego Health, University of California San Diego
Classification: Uncertain significance for Cardiomyopathy. Last evaluated: 2019-01-31. Review status: criteria provided, single submitter. Criteria: ACMG Guidelines, 2015. Collection method: clinical testing. Allele origin: germline. Affected: yes. Observed: 1 variant allele.

CHEO Genetics Diagnostic Laboratory, Children's Hospital of Eastern Ontario
Classification: Uncertain significance for Cardiomyopathy. Last evaluated: 2019-01-08. Review status: criteria provided, single submitter. Criteria: ACMG Guidelines, 2015. Collection method: clinical testing. Allele origin: germline.

GeneDx
Classification: Uncertain significance. Last evaluated: 2015-09-10. Review status: criteria provided, single submitter. Criteria: GeneDx Variant Classification (06012015). Collection method: clinical testing. Allele origin: germline. Affected: yes.
Comment: This missense change is denoted Arg485Gln (aka R485Q) at the protein level and c.1454 G>A at the cDNA level. The Arg485Gln variant in the RYR2 gene has not been reported previously as a disease-causing mutation nor as a benign polymorphism, to our knowledge. Arg485Gln results in a non-conservative amino acid substitution of a positively charged Arginine with a neutral, polar Glutamine at a residue that is conserved across species. The Arg485Gln variant was not detected in up 400 alleles from control individuals of Caucasian ancestry tested at GeneDx, indicating it is not a common benign variant in this population. However, the Arg485Gln is not located in one of the three mutation hot spots in the RYR2 gene (Medeiros-Domingo, et al. 2009). With the clinical and molecular information available at this time, we cannot unequivocally determine whether the Arg485Gln variant in the RYR2 gene is a disease-causing mutation or a rare benignvariant. The variant is found in CPVT panel(s).

Literature cited by the submitters: PubMed 30403697 (cited by Labcorp Genetics (formerly Invitae), Labcorp and AiLife Diagnostics); PubMed 34088380 (cited by Labcorp Genetics (formerly Invitae), Labcorp); PubMed 26656175 (cited by AiLife Diagnostics); PubMed 28404607 (cited by AiLife Diagnostics).